The following is an entry in ClinVar:

NM_007294.4(BRCA1):c.3720G>C (p.Gln1240His)

Genes: BRCA1 (BRCA1 DNA repair associated; minus strand), LOC126862571 (BRD4-independent group 4 enhancer GRCh37_chr17:41243136-41244335; plus strand). Cytogenetic location: 17q21.31.
Variant type: single nucleotide variant.
Coding change: c.3720G>C on transcript NM_007294.4 (MANE Select); coding-DNA position 3720, G replaced by C.
Protein change: p.Gln1240His; replaces glutamine 1240 with histidine.
Molecular consequence: missense variant. On other transcripts: intron variant (135).
Genome position (GRCh38, 1-based): chr17:43,091,811, C>G on the plus strand (G>C on the coding strand, the complement: BRCA1 is on the minus strand). VCF-style: chr17-43091811-C-G. GRCh37 (hg19) VCF-style: chr17-41243828-C-G.
Other names: 3839G>C; c.3507G>C, p.Gln1169His (NM_001407571.1, NM_001407853.1, NM_001407894.1 and 9 more transcripts); c.3720G>C, p.Gln1240His (NM_001407581.1, NM_001407582.1, NM_001407583.1 and 30 more transcripts); c.3717G>C, p.Gln1239His (NM_001407587.1, NM_001407590.1, NM_001407591.1 and 22 more transcripts); c.3711G>C, p.Gln1237His (NM_001407646.1, NM_001407647.1); c.3597G>C, p.Gln1199His (NM_001407648.1, NM_001407664.1, NM_001407665.1 and 19 more transcripts); c.3594G>C, p.Gln1198His (NM_001407649.1, NM_001407670.1, NM_001407671.1 and 11 more transcripts); c.3642G>C, p.Gln1214His (NM_001407653.1, NM_001407654.1, NM_001407655.1 and 4 more transcripts); and 42 more; short protein forms Q1240H, Q1193H, Q1129H, Q1170H, Q1192H, Q1214H, Q1113H, Q1151H.
Identifiers: ClinVar variation 252875 (VCV000252875.15), dbSNP rs876658341, ClinGen allele CA10586105.

ClinVar aggregate classification (germline): Conflicting classifications of pathogenicity. Review status: criteria provided, conflicting classifications (1 of 4 stars). 4 submissions from 4 submitters: Uncertain significance (2); Likely benign (1). 1 of the submissions does not count toward it. Last evaluated 2023-03-23.

Conditions:
Hereditary cancer-predisposing syndrome. Also called: Hereditary Cancer Syndrome; Neoplastic Syndromes, Hereditary; Hereditary neoplastic syndrome; Tumor predisposition. Identifiers: Orphanet 140162, MedGen C0027672, MeSH D009386, MONDO:0015356.
Hereditary breast ovarian cancer syndrome. Also called: Hereditary breast and ovarian cancer syndrome (HBOC); Breast and ovarian cancer; Hereditary breast and ovarian cancer syndrome; Hereditary breast and ovarian cancer; BRCA1- and BRCA2-Associated Hereditary Breast and Ovarian Cancer; Hereditary breast and/or ovarian cancer syndrome. Identifiers: Orphanet 145, MedGen C0677776, MeSH D061325, MONDO:0003582. Disease mechanism: loss of function.
Breast-ovarian cancer, familial, susceptibility to, 1 (BROVCA1). Also called: BRCA1 Hereditary Breast and Ovarian Cancer; OVARIAN CANCER, SUSCEPTIBILITY TO. Identifiers: Orphanet 145, MedGen C2676676, MONDO:0011450, OMIM 604370. Disease mechanism: loss of function.

Submissions (4):

University of Washington Department of Laboratory Medicine, University of Washington
Classification: Likely benign for Hereditary cancer-predisposing syndrome. Last evaluated: 2023-03-23. Review status: criteria provided, single submitter. Criteria: Dines et al. (Genet Med. 2020). Collection method: curation. Allele origin: germline.
Comment: Missense variant in a coldspot region where missense variants are very unlikely to be pathogenic (PMID:31911673).

BRCA1 coldspot (exon 11 using historical exon numbering). Reclassification based on statistical prior probability

Ambry Genetics
Classification: Uncertain significance for Hereditary cancer-predisposing syndrome. Last evaluated: 2021-05-06. Review status: criteria provided, single submitter. Criteria: Ambry Variant Classification Scheme 2023. Collection method: clinical testing. Allele origin: germline.
Comment: The p.Q1240H variant (also known as c.3720G>C), located in coding exon 9 of the BRCA1 gene, results from a G to C substitution at nucleotide position 3720. The glutamine at codon 1240 is replaced by histidine, an amino acid with highly similar properties. This amino acid position is well conserved in available vertebrate species. In addition, the in silico prediction for this alteration is inconclusive. Since supporting evidence is limited at this time, the clinical significance of this alteration remains unclear.

Labcorp Genetics (formerly Invitae), Labcorp
Classification: Uncertain significance for Hereditary breast ovarian cancer syndrome. Last evaluated: 2017-04-15. Review status: criteria provided, single submitter. Criteria: Invitae Variant Classification Sherloc (09022015). Collection method: clinical testing. Allele origin: germline.
Comment: This variant is not present in population databases (ExAC no frequency) and has not been reported in the literature in individuals with a BRCA1-related disease. ClinVar contains an entry for this variant (Variation ID: 252875). Algorithms developed to predict the effect of missense changes on protein structure and function do not agree on the potential impact of this missense change (SIFT: "Tolerated"; PolyPhen-2: "Possibly Damaging"; Align-GVGD: "Class C0"). In summary, this variant is a rare missense change with uncertain impact on protein function. There is no indication that it causes disease, but the available evidence is currently insufficient to prove that conclusively. Therefore, it has been classified as a Variant of Uncertain Significance. This sequence change replaces glutamine with histidine at codon 1240 of the BRCA1 protein (p.Gln1240His). The glutamine residue is moderately conserved and there is a small physicochemical difference between glutamine and histidine.

Sharing Clinical Reports Project (SCRP)
Classification: Uncertain significance for Breast-ovarian cancer, familial 1. Last evaluated: 2011-12-01. Review status: no assertion criteria provided. Collection method: clinical testing. Allele origin: germline. Not counted in ClinVar's aggregate classification.